The following is an entry in ClinVar:

ClinVar aggregate classification (germline): Conflicting classifications of pathogenicity. Review status: criteria provided, conflicting classifications (1 of 4 stars). 8 submissions from 8 submitters: Uncertain significance (3); Likely benign (3). 2 of the submissions do not count toward it. Last evaluated 2026-02-01.

Conditions:
HPS5-related disorder. Also called: HPS5-related condition.
Hermansky-Pudlak syndrome 5 (HPS5). Identifiers: Orphanet 231512, Orphanet 79430, MedGen C3888004, MONDO:0013557, OMIM 614074.

Allele frequency attached by ClinVar (database versions not stated): 1000 Genomes Project 0.00060; 1000 Genomes Project 30x 0.00062; gnomAD exomes 0.00134 and 0.00166; gnomAD 0.00141 and 0.00144; ExAC 0.00154; ESP Exome Variant Server 0.00177; TOPMed 0.00181.
gnomAD v4.1: 2,611 of 1,607,104 alleles (0.16%); highest among the groups gnomAD compares: Middle Eastern, 0.23%; 8 homozygotes.

Submissions (8):

Labcorp Genetics (formerly Invitae), Labcorp
Classification: Likely benign. Last evaluated: 2026-02-01. Review status: criteria provided, single submitter. Criteria: Invitae Variant Classification Sherloc (09022015). Collection method: clinical testing. Allele origin: germline.

Blueprint Genetics
Classification: Uncertain significance. Last evaluated: 2024-11-27. Review status: criteria provided, single submitter. Criteria: ACMG Guidelines, 2015. Collection method: clinical testing. Allele origin: germline.

Mayo Clinic Laboratories, Mayo Clinic
Classification: Likely benign. Last evaluated: 2024-07-09. Review status: criteria provided, single submitter. Criteria: ACMG Guidelines, 2015. Collection method: clinical testing. Allele origin: germline. Observed: 2 variant alleles.
Comment: BS1, BP4

Fulgent Genetics
Classification: Uncertain significance for Hermansky-Pudlak syndrome 5. Last evaluated: 2018-10-31. Review status: criteria provided, single submitter. Criteria: ACMG Guidelines, 2015. Collection method: clinical testing. Allele origin: unknown.

Laboratory for Molecular Medicine, Mass General Brigham Personalized Medicine
Classification: Likely benign. Last evaluated: 2018-07-03. Review status: criteria provided, single submitter. Criteria: LMM Criteria. Collection method: clinical testing. Allele origin: germline. Observed: 2 variant alleles.
Comment: The p.Glu1016Lys variant in HPS5 is classified as likely benign because it has b een identified in 0.23 % (290/126656) of European chromosomes by the Genome Aggr egation Database (gnomAD) and computational pr ediction tools and conservation analysis suggest that the p.Glu1016Lys variant m ay not impact the protein. ACMG/AMP Criteria applied: BS1, BP4.

Illumina Laboratory Services, Illumina
Classification: Uncertain significance for Hermansky-Pudlak syndrome 5. Last evaluated: 2018-01-12. Review status: criteria provided, single submitter. Criteria: ICSL Variant Classification Criteria 13 December 2019. Collection method: clinical testing. Allele origin: germline.

PreventionGenetics, part of Exact Sciences
Classification: Likely benign for HPS5-related condition. Last evaluated: 2023-04-18. Review status: no assertion criteria provided. Collection method: clinical testing. Allele origin: germline. Not counted in ClinVar's aggregate classification.
Comment: This variant is classified as likely benign based on ACMG/AMP sequence variant interpretation guidelines (Richards et al. 2015 PMID: 25741868, with internal and published modifications).

ISTH-SSC Genomics in Thrombosis and Hemostasis, KU Leuven, Center for Molecular and Vascular Biology
Classification: Uncertain significance for Hermansky-Pudlak syndrome 5. Review status: no assertion criteria provided. Collection method: research. Allele origin: unknown. Affected: yes. Not counted in ClinVar's aggregate classification.
Comment: Submitted to GoldVariant by Dr Marie-Christine Morel-Kopp from Northern Blood Research Centre, Sydney, Australia

NM_181507.2(HPS5):c.3046G>A (p.Glu1016Lys)

Gene: HPS5 (HPS5 biogenesis of lysosomal organelles complex 2 subunit 2; minus strand). Cytogenetic location: 11p15.1.
Variant type: single nucleotide variant.
Coding change: c.3046G>A on transcript NM_181507.2 (MANE Select); coding-DNA position 3046, G replaced by A.
Protein change: p.Glu1016Lys; replaces glutamic acid 1016 with lysine.
Molecular consequence: missense variant.
Genome position (GRCh38, 1-based): chr11:18,283,807, C>T on the plus strand (G>A on the coding strand, the complement: HPS5 is on the minus strand). VCF-style: chr11-18283807-C-T. GRCh37 (hg19) VCF-style: chr11-18305354-C-T.
Other names: c.2704G>A, p.Glu902Lys (NM_007216.4, NM_181508.2); short protein forms E1016K, E902K.
Identifiers: ClinVar variation 303870 (VCV000303870.24), dbSNP rs17853184, ClinGen allele CA5909670.
Genomic context (GRCh38, chr11:18,283,807, plus strand): 5'-AACTTCTAAAAATTGACAACCAAGAGTAACCAGTTAGGATTGACATACCATTGTCCCCTT[C>T]CATCAGGCTCATATCATTCAGATACACAATATTGGTGAAGGCCTCTCTTCTTCTCTCCAG-3'
Protein context (NP_852608.1, residues 1006-1026): IVYLNDMSLM[Glu1016Lys]GDNGWIPETV